The following is an entry in ClinVar:

NM_000459.5(TEK):c.1798G>T (p.Val600Leu)

Gene: TEK (TEK receptor tyrosine kinase; plus strand). Cytogenetic location: 9p21.2.
Variant type: single nucleotide variant.
Coding change: c.1798G>T on transcript NM_000459.5 (MANE Select); coding-DNA position 1798, G replaced by T.
Protein change: p.Val600Leu; replaces valine 600 with leucine.
Molecular consequence: missense variant.
Genome position (GRCh38, 1-based): chr9:27,197,488, G>T. VCF-style: chr9-27197488-G-T. GRCh37 (hg19) VCF-style: chr9-27197486-G-T.
Other names: c.1798G>T (NM_000459.4); c.1669G>T, p.Val557Leu (NM_001290077.2, NM_001375476.1); c.1357G>T, p.Val453Leu (NM_001290078.2); c.1798G>T, p.Val600Leu (NM_001375475.1); short protein forms V600L, V453L, V557L.
Identifiers: ClinVar variation 366430 (VCV000366430.17), dbSNP rs35030851, ClinGen allele CA5016326.

ClinVar aggregate classification (germline): Benign. Review status: criteria provided, multiple submitters, no conflicts (2 of 4 stars). 6 submissions from 6 submitters: Benign (6). Last evaluated 2026-01-12.

Conditions:
Multiple cutaneous and mucosal venous malformations (VMCM). Also called: TEK-Related Multiple Cutaneous and Mucosal Venous Malformations (VMCM). Identifiers: Orphanet 2451, MedGen C1838437, MONDO:0010842, OMIM 600195.

Allele frequency attached by ClinVar (database versions not stated): 1000 Genomes Project 30x 0.03342; gnomAD 0.03365 and 0.03481; 1000 Genomes Project 0.03375; ESP Exome Variant Server 0.03568; TOPMed 0.03686.
gnomAD v4.1: 74,232 of 1,613,970 alleles (4.6%); highest among the groups gnomAD compares: Middle Eastern, 8%; 1,925 homozygotes.

Submissions (6):

Labcorp Genetics (formerly Invitae), Labcorp
Classification: Benign. Last evaluated: 2026-01-12. Review status: criteria provided, single submitter. Criteria: Invitae Variant Classification Sherloc (09022015). Collection method: clinical testing. Allele origin: germline.

Blueprint Genetics
Classification: Benign. Last evaluated: 2024-11-27. Review status: criteria provided, single submitter. Criteria: ACMG Guidelines, 2015. Collection method: clinical testing. Allele origin: germline.

Mayo Clinic Laboratories, Mayo Clinic
Classification: Benign. Last evaluated: 2022-04-26. Review status: criteria provided, single submitter. Criteria: ACMG Guidelines, 2015. Collection method: clinical testing. Allele origin: germline. Observed: 61 variant alleles.

GeneDx
Classification: Benign. Last evaluated: 2021-05-05. Review status: criteria provided, single submitter. Criteria: GeneDx Variant Classification Process June 2021. Collection method: clinical testing. Allele origin: germline. Affected: yes.

Illumina Laboratory Services, Illumina
Classification: Benign for Multiple cutaneous and mucosal venous malformations. Last evaluated: 2018-01-12. Review status: criteria provided, single submitter. Criteria: ICSL Variant Classification Criteria 13 December 2019. Collection method: clinical testing. Allele origin: germline.
Comment: This variant was observed in the ICSL laboratory as part of a predisposition screen in an ostensibly healthy population. It had not been previously curated by ICSL or reported in the Human Gene Mutation Database (HGMD: prior to June 1st, 2018), and was therefore a candidate for classification through an automated scoring system. Utilizing variant allele frequency, disease prevalence and penetrance estimates, and inheritance mode, an automated score was calculated to assess if this variant is too frequent to cause the disease. Based on the score and internal cut-off values, a variant classified as benign is not then subjected to further curation. The score for this variant resulted in a classification of benign for this disease.

Breakthrough Genomics
Classification: Benign. Review status: criteria provided, single submitter. Criteria: ACMG Guidelines, 2015. Collection method: not provided. Allele origin: germline. Inheritance: Autosomal dominant inheritance. Affected: yes.